The following is an entry in ClinVar:

NM_001127222.2(CACNA1A):c.1256-6T>C

Gene: CACNA1A (calcium voltage-gated channel subunit alpha1 A; minus strand). Cytogenetic location: 19p13.13.
Variant type: single nucleotide variant.
Coding change: c.1256-6T>C on transcript NM_001127222.2 (MANE Select); 6 bases into the intron before coding-DNA position 1256, T replaced by C.
Molecular consequence: intron variant.
Genome position (GRCh38, 1-based): chr19:13,330,339, A>G on the plus strand (T>C on the coding strand, the complement: CACNA1A is on the minus strand). VCF-style: chr19-13330339-A-G. GRCh37 (hg19) VCF-style: chr19-13441153-A-G.
Other names: c.1256-3T>C (NM_001127221.2, NM_001174080.2, NM_000068.4 and 1 more transcripts).
Identifiers: ClinVar variation 2939432 (VCV002939432.3), dbSNP rs2058445788, ClinGen allele CA2323840169.

ClinVar aggregate classification (germline): Uncertain significance (1 of 4 stars; one submission).

Conditions:
Episodic ataxia type 2 (EA2). Also called: CEREBELLAR ATAXIA, PAROXYSMAL, ACETAZOLAMIDE-RESPONSIVE; CEREBELLOPATHY, HEREDITARY PAROXYSMAL; EPISODIC ATAXIA, NYSTAGMUS-ASSOCIATED; ACETAZOLAMIDE-RESPONSIVE HEREDITARY PAROXYSMAL CEREBELLAR ATAXIA; ATAXIA, EPISODIC, WITH NYSTAGMUS; ATAXIA, FAMILIAL PAROXYSMAL. Identifiers: Orphanet 97, MedGen C1720416, MONDO:0007163, OMIM 108500.
Developmental and epileptic encephalopathy, 42 (DEE42A). Also called: Epileptic encephalopathy, early infantile, 42; DEVELOPMENTAL AND EPILEPTIC ENCEPHALOPATHY 42A; EPILEPTIC ENCEPHALOPATHY, EARLY INFANTILE, 42A. Identifiers: MedGen C4310716, MONDO:0014917, OMIM 617106.

Allele frequency attached by ClinVar (database versions not stated): gnomAD exomes below 0.00001.
gnomAD v4.1: 2 of 1,554,458 alleles (0.00013%); highest among the groups gnomAD compares: Non-Finnish European, 0.00017%; no homozygotes.

Submission:

Labcorp Genetics (formerly Invitae), Labcorp
Classification: Uncertain significance for Developmental and epileptic encephalopathy, 42; Episodic ataxia type 2. Last evaluated: 2025-10-20. Review status: criteria provided, single submitter. Criteria: Invitae Variant Classification Sherloc (09022015). Collection method: clinical testing. Allele origin: germline.
Comment: This sequence change falls in intron 9 of the CACNA1A gene. It does not directly change the encoded amino acid sequence of the CACNA1A protein. It affects a nucleotide within the consensus splice site. This variant is not present in population databases (gnomAD no frequency). This variant has not been reported in the literature in individuals affected with CACNA1A-related conditions. ClinVar contains an entry for this variant (Variation ID: 2939432). Variants that disrupt the consensus splice site are a relatively common cause of aberrant splicing (PMID: 17576681, 9536098). Algorithms developed to predict the effect of sequence changes on RNA splicing suggest that this variant is not likely to affect RNA splicing. In summary, the available evidence is currently insufficient to determine the role of this variant in disease. Therefore, it has been classified as a Variant of Uncertain Significance.

Literature cited by the submitters: PubMed 17576681; PubMed 9536098.